The following is an entry in ClinVar:

NM_001114753.3(ENG):c.1773C>T (p.Ala591=)

Gene: ENG (endoglin; minus strand). Cytogenetic location: 9q34.11.
Variant type: single nucleotide variant.
Coding change: c.1773C>T on transcript NM_001114753.3 (MANE Select); coding-DNA position 1773, C replaced by T.
Protein change: p.Ala591=; no amino-acid change (alanine 591 retained).
Molecular consequence: synonymous variant.
Genome position (GRCh38, 1-based): chr9:127,816,022, G>A on the plus strand (C>T on the coding strand, the complement: ENG is on the minus strand). VCF-style: chr9-127816022-G-A. GRCh37 (hg19) VCF-style: chr9-130578301-G-A.
Other names: c.1773C>T, p.Ala591= (NM_000118.4); c.1227C>T, p.Ala409= (NM_001278138.2); c.1773C>T (NM_001114753.1).
Identifiers: ClinVar variation 2965041 (VCV002965041.5), dbSNP rs766073909, ClinGen allele CA5252627.

ClinVar aggregate classification (germline): Likely benign. Review status: criteria provided, multiple submitters, no conflicts (2 of 4 stars). 3 submissions from 3 submitters: Likely benign (3). Last evaluated 2025-06-01.

Conditions:
Cardiovascular phenotype. Identifiers: MedGen CN230736.
Hereditary hemorrhagic telangiectasia (HHT). Also called: ORW DISEASE; Osler Weber Rendu syndrome; OSLER-RENDU-WEBER DISEASE; Osler hemorrhagic telangiectasia syndrome. Identifiers: Orphanet 774, MedGen C0039445, MONDO:0019180. Disease mechanism: loss of function.

Allele frequency attached by ClinVar (database versions not stated): ExAC 0.00001; gnomAD 0.00001; gnomAD exomes 0.00001.
gnomAD v4.1: 14 of 1,610,720 alleles (0.00087%); highest among the groups gnomAD compares: South Asian, 0.0022%; no homozygotes.

Submissions (3):

Ambry Genetics
Classification: Likely benign for Cardiovascular phenotype. Last evaluated: 2025-06-01. Review status: criteria provided, single submitter. Criteria: Ambry Variant Classification Scheme 2023. Collection method: clinical testing. Allele origin: germline.

Women's Health and Genetics/Laboratory Corporation of America, LabCorp
Classification: Likely benign. Last evaluated: 2024-04-26. Review status: criteria provided, single submitter. Criteria: LabCorp Variant Classification Summary - May 2015. Collection method: clinical testing. Allele origin: germline.
Comment: Variant summary: ENG c.1773C>T alters a non-conserved nucleotide resulting in a synonymous change. The variant allele was found at a frequency of 4.1e-06 in 243512 control chromosomes. The available data on variant occurrences in the general population are insufficient to allow any conclusion about variant significance. To our knowledge, no occurrence of c.1773C>T in individuals affected with Hereditary Hemorrhagic Telangiectasia and no experimental evidence demonstrating its impact on protein function have been reported. ClinVar contains an entry for this variant (Variation ID: 2965041). Based on the evidence outlined above, the variant was classified as likely benign.

Labcorp Genetics (formerly Invitae), Labcorp
Classification: Likely benign for Hereditary hemorrhagic telangiectasia. Last evaluated: 2023-03-28. Review status: criteria provided, single submitter. Criteria: Invitae Variant Classification Sherloc (09022015). Collection method: clinical testing. Allele origin: germline.